The following is an entry in ClinVar:

ClinVar aggregate classification (germline): Likely pathogenic (1 of 4 stars; one submission).

Conditions:
Early-infantile DEE. Also called: Early infantile epileptic encephalopathy; Early infantile epileptic encephalopathy with suppression bursts; Ohtahara syndrome. Identifiers: Orphanet 1934, MedGen C0393706, MONDO:0800491.

Submission:

Labcorp Genetics (formerly Invitae), Labcorp
Classification: Likely pathogenic for Early-infantile DEE. Last evaluated: 2022-11-19. Review status: criteria provided, single submitter. Criteria: Invitae Variant Classification Sherloc (09022015). Collection method: clinical testing. Allele origin: germline.
Comment: This variant has not been reported in the literature in individuals affected with SCN1A-related conditions. This variant is not present in population databases (gnomAD no frequency). This sequence change replaces tryptophan, which is neutral and slightly polar, with cysteine, which is neutral and slightly polar, at codon 1284 of the SCN1A protein (p.Trp1284Cys). In summary, the currently available evidence indicates that the variant is pathogenic, but additional data are needed to prove that conclusively. Therefore, this variant has been classified as Likely Pathogenic. This variant disrupts the p.Trp1284 amino acid residue in SCN1A. Other variant(s) that disrupt this residue have been determined to be pathogenic (PMID: 18930999). This suggests that this residue is clinically significant, and that variants that disrupt this residue are likely to be disease-causing. Advanced modeling of protein sequence and biophysical properties (such as structural, functional, and spatial information, amino acid conservation, physicochemical variation, residue mobility, and thermodynamic stability) performed at Invitae indicates that this missense variant is expected to disrupt SCN1A protein function.

Literature cited by the submitters: PubMed 18930999.

NM_001165963.4(SCN1A):c.3852G>C (p.Trp1284Cys)

Genes: SCN1A (sodium voltage-gated channel alpha subunit 1; minus strand), LOC102724058 (uncharacterized LOC102724058; plus strand). Cytogenetic location: 2q24.3.
Variant type: single nucleotide variant.
Coding change: c.3852G>C on transcript NM_001165963.4 (MANE Select); coding-DNA position 3852, G replaced by C.
Protein change: p.Trp1284Cys; replaces tryptophan 1284 with cysteine.
Molecular consequence: missense variant. On other transcripts: non-coding transcript variant (1).
Genome position (GRCh38, 1-based): chr2:166,012,136, C>G on the plus strand (G>C on the coding strand, the complement: SCN1A is on the minus strand). VCF-style: chr2-166012136-C-G. GRCh37 (hg19) VCF-style: chr2-166868646-C-G.
Other names: c.3816G>C, p.Trp1272Cys (NM_001353955.2, NM_001353954.2); c.3768G>C, p.Trp1256Cys (NM_001353957.2, NM_001353958.2, NM_001165964.3); c.3765G>C, p.Trp1255Cys (NM_001353960.2); c.1410G>C, p.Trp470Cys (NM_001353961.2); c.3819G>C, p.Trp1273Cys (NM_006920.6, NM_001353949.2, NM_001353950.2 and 2 more transcripts); c.3852G>C, p.Trp1284Cys (NM_001202435.3, NM_001353948.2); short protein forms W470C, W1256C, W1273C, W1255C, W1272C, W1284C.
Identifiers: ClinVar variation 2815332 (VCV002815332.3), dbSNP rs1553531178, ClinGen allele CA349053979.